The following is an entry in ClinVar:

ClinVar aggregate classification (germline): Uncertain significance (1 of 4 stars; one submission).

Conditions:
SRPRA-related disorder. Also called: SRPRA-related condition.

gnomAD v4.1: 17 of 1,614,196 alleles (0.0011%); highest among the groups gnomAD compares: East Asian, 0.0045%; no homozygotes.

Submission:

PreventionGenetics, part of Exact Sciences
Classification: Uncertain significance for SRPRA-related condition. Last evaluated: 2026-09-25. Review status: criteria provided, single submitter. Criteria: ACMG Guidelines, 2015. Collection method: clinical testing. Allele origin: germline.
Comment: The SRPRA c.1678G>A variant is predicted to result in the amino acid substitution p.Val560Met. To our knowledge, this variant has not been reported in the literature. This variant is reported in 0.0058% of alleles in individuals of Latino descent in gnomAD. At this time, the clinical significance of this variant is uncertain due to the absence of conclusive functional and genetic evidence.

NM_003139.4(SRPRA):c.1678G>A (p.Val560Met)

Gene: SRPRA (SRP receptor subunit alpha; minus strand). Cytogenetic location: 11q24.2.
Variant type: single nucleotide variant.
Coding change: c.1678G>A on transcript NM_003139.4 (MANE Select); coding-DNA position 1678, G replaced by A.
Protein change: p.Val560Met; replaces valine 560 with methionine.
Molecular consequence: missense variant.
Genome position (GRCh38, 1-based): chr11:126,264,387, C>T on the plus strand (G>A on the coding strand, the complement: SRPRA is on the minus strand). VCF-style: chr11-126264387-C-T. GRCh37 (hg19) VCF-style: chr11-126134282-C-T.
Other names: c.1594G>A, p.Val532Met (NM_001177842.2); short protein forms V560M, V532M.
Identifiers: ClinVar variation 4987505 (VCV004987505.1).